The following is an entry in ClinVar:

NM_023110.3(FGFR1):c.83C>T (p.Pro28Leu)

Gene: FGFR1 (fibroblast growth factor receptor 1; minus strand). Cytogenetic location: 8p11.23.
Variant type: single nucleotide variant.
Coding change: c.83C>T on transcript NM_023110.3 (MANE Select); coding-DNA position 83, C replaced by T.
Protein change: p.Pro28Leu; replaces proline 28 with leucine.
Molecular consequence: missense variant. On other transcripts: 5 prime UTR variant (1).
Genome position (GRCh38, 1-based): chr8:38,457,364, G>A on the plus strand (C>T on the coding strand, the complement: FGFR1 is on the minus strand). VCF-style: chr8-38457364-G-A. GRCh37 (hg19) VCF-style: chr8-38314882-G-A.
Other names: c.83C>T, p.Pro28Leu (NM_001174063.2, NM_001174065.2, NM_001174066.2 and 7 more transcripts); c.-10C>T (NM_001174064.2); c.182C>T, p.Pro61Leu (NM_001174067.2); short protein forms P28L, P61L.
Identifiers: ClinVar variation 430508 (VCV000430508.15), dbSNP rs145434725, ClinGen allele CA4718940.

ClinVar aggregate classification (germline): Conflicting classifications of pathogenicity. Review status: criteria provided, conflicting classifications (1 of 4 stars). 5 submissions from 5 submitters: Pathogenic (1); Uncertain significance (3); Likely benign (1). Last evaluated 2025-08-03.

Conditions:
Hypogonadotropic hypogonadism 2 with or without anosmia (HH2). Also called: FGFR1-Related GnRH Deficiency (Kallmann Syndrome 2); HYPOGONADOTROPIC HYPOGONADISM 2 WITHOUT ANOSMIA; HYPOGONADOTROPIC HYPOGONADISM 2 WITH OR WITHOUT ANOSMIA, SUSCEPTIBILITY TO; HYPOGONADOTROPIC HYPOGONADISM 2 WITHOUT ANOSMIA, SUSCEPTIBILITY TO. Identifiers: Orphanet 478, MedGen C1563720, MONDO:0007844, OMIM 147950. Disease mechanism: loss of function.
Pfeiffer syndrome (ACS5). Also called: ACS V. Identifiers: Orphanet 710, MedGen C0220658, MONDO:0007043, OMIM 101600.
Hartsfield-Bixler-Demyer syndrome (HRTFDS). Also called: FGFR1-Related Hartsfield Syndrome; Holoprosencephaly, ectrodactyly, and bilateral cleft lip/palate; Hartsfield syndrome. Identifiers: Orphanet 2117, MedGen C1845146, MONDO:0014196, OMIM 615465. Disease mechanism: loss of function.
Trigonocephaly 1 (TRIGNO1). Identifiers: Orphanet 3366, MedGen C0432122, MONDO:0008603, OMIM 190440.
Jackson-Weiss syndrome (JWS). Also called: CRANIOSYNOSTOSIS, MIDFACIAL HYPOPLASIA, AND FOOT ABNORMALITIES. Identifiers: Orphanet 1540, MedGen C0795998, MONDO:0007400, OMIM 123150. Disease mechanism: loss of function.
Encephalocraniocutaneous lipomatosis (ECCL). Identifiers: Orphanet 2396, MedGen C0406612, MONDO:0013074, OMIM 613001.
Osteoglophonic dysplasia (OGD). Also called: Osteoglophonic dwarfism. Identifiers: Orphanet 2645, MedGen C0432283, MONDO:0008150, OMIM 166250.

Allele frequency attached by ClinVar (database versions not stated): gnomAD 0.00002; TOPMed 0.00002; ExAC 0.00003; gnomAD exomes 0.00004 and 0.00005; ESP Exome Variant Server 0.00008.
gnomAD v4.1: 79 of 1,612,958 alleles (0.0049%); highest among the groups gnomAD compares: Non-Finnish European, 0.0064%; no homozygotes.

Submissions (5):

Labcorp Genetics (formerly Invitae), Labcorp
Classification: Uncertain significance for Pfeiffer syndrome; Hypogonadotropic hypogonadism 2 with or without anosmia. Last evaluated: 2025-08-03. Review status: criteria provided, single submitter. Criteria: Invitae Variant Classification Sherloc (09022015). Collection method: clinical testing. Allele origin: germline.
Comment: This sequence change replaces proline, which is neutral and non-polar, with leucine, which is neutral and non-polar, at codon 28 of the FGFR1 protein (p.Pro28Leu). This variant is present in population databases (rs145434725, gnomAD 0.008%). This missense change has been observed in individual(s) with congenital hypogonadotropic hypogonadism (PMID: 31200363). ClinVar contains an entry for this variant (Variation ID: 430508). Invitae Evidence Modeling of protein sequence and biophysical properties (such as structural, functional, and spatial information, amino acid conservation, physicochemical variation, residue mobility, and thermodynamic stability) has been performed for this missense variant. However, the output from this modeling did not meet the statistical confidence thresholds required to predict the impact of this variant on FGFR1 protein function. In summary, the available evidence is currently insufficient to determine the role of this variant in disease. Therefore, it has been classified as a Variant of Uncertain Significance.

Laboratory of Prof. Karen Avraham, Tel Aviv University
Classification: Pathogenic for Hypogonadotropic hypogonadism 2 with or without anosmia. Last evaluated: 2024-05-08. Review status: criteria provided, single submitter. Criteria: ACMG Guidelines, 2015. Collection method: research. Allele origin: germline. Affected: yes. Observed: 1 variant allele.
Comment: Pathogenic according to Deafness Variation Database

Autosomal dominant; sloping audiogram, normal-moderately severe HL

Fulgent Genetics
Classification: Likely benign for Pfeiffer syndrome; Jackson-Weiss syndrome; Hypogonadotropic hypogonadism 2 with or without anosmia; Osteoglophonic dysplasia; Trigonocephaly 1; Encephalocraniocutaneous lipomatosis; Hartsfield-Bixler-Demyer syndrome. Last evaluated: 2024-03-08. Review status: criteria provided, single submitter. Criteria: ACMG Guidelines, 2015. Collection method: clinical testing. Allele origin: germline.

GeneDx
Classification: Uncertain significance. Last evaluated: 2021-01-26. Review status: criteria provided, single submitter. Criteria: GeneDx Variant Classification Process June 2021. Collection method: clinical testing. Allele origin: germline. Affected: yes.
Comment: Observed in a patient in published literature with nCHH who also harbored variants in other genes (Amato et al., 2019); In silico analysis supports that this missense variant has a deleterious effect on protein structure/function; This variant is associated with the following publications: (PMID: 27896051, 31200363)

Breakthrough Genomics
Classification: Uncertain significance. Review status: criteria provided, single submitter. Criteria: ACMG Guidelines, 2015. Collection method: not provided. Allele origin: germline. Inheritance: Autosomal recessive inheritance. Affected: yes.

Literature cited by the submitters: PubMed 31200363 (cited by Labcorp Genetics (formerly Invitae), Labcorp).